The following is an entry in ClinVar:

ClinVar aggregate classification (germline): Benign/Likely benign. Review status: criteria provided, multiple submitters, no conflicts (2 of 4 stars). 9 submissions from 9 submitters: Benign (3); Likely benign (3). 3 of the submissions do not count toward it. Last evaluated 2026-06-01.

Conditions:
SOX11-related disorder. Also called: SOX11-related condition.

Submissions (9):

CeGaT Center for Human Genetics Tuebingen
Classification: Likely benign. Last evaluated: 2026-06-01. Review status: criteria provided, single submitter. Criteria: CeGaT Center For Human Genetics Tuebingen Variant Classification Criteria Version 2. Collection method: clinical testing. Allele origin: germline. Affected: yes. Observed: 27 variant alleles.
Comment: SOX11: BS2

Labcorp Genetics (formerly Invitae), Labcorp
Classification: Benign. Last evaluated: 2026-01-28. Review status: criteria provided, single submitter. Criteria: Invitae Variant Classification Sherloc (09022015). Collection method: clinical testing. Allele origin: germline.

Blueprint Genetics
Classification: Likely benign. Last evaluated: 2024-11-19. Review status: criteria provided, single submitter. Criteria: ACMG Guidelines, 2015. Collection method: clinical testing. Allele origin: germline.

GeneDx
Classification: Benign. Last evaluated: 2019-08-14. Review status: criteria provided, single submitter. Criteria: GeneDx Variant Classification Process June 2021. Collection method: clinical testing. Allele origin: germline. Affected: yes.
Comment: This variant is associated with the following publications: (PMID: 25010521, 25476579)

Center for Pediatric Genomic Medicine, Children's Mercy Hospital and Clinics
Classification: Likely benign. Last evaluated: 2017-02-23. Review status: criteria provided, single submitter. Criteria: ACMG Guidelines, 2015. Collection method: clinical testing. Allele origin: germline.

Genetic Services Laboratory, University of Chicago
Classification: Benign. Last evaluated: 2016-07-14. Review status: criteria provided, single submitter. Criteria: ACMG Guidelines, 2015. Collection method: clinical testing. Allele origin: germline. Affected: no.

PreventionGenetics, part of Exact Sciences
Classification: Benign for SOX11-related condition. Last evaluated: 2021-02-23. Review status: no assertion criteria provided. Collection method: clinical testing. Allele origin: germline. Not counted in ClinVar's aggregate classification.
Comment: This variant is classified as benign based on ACMG/AMP sequence variant interpretation guidelines (Richards et al. 2015 PMID: 25741868, with internal and published modifications).

Diagnostic Laboratory, Department of Genetics, University Medical Center Groningen
Classification: Likely benign. Review status: no assertion criteria provided. Collection method: clinical testing. Allele origin: germline. Affected: yes. Study: VKGL Data-share Consensus. Not counted in ClinVar's aggregate classification.

Laboratory of Diagnostic Genome Analysis, Leiden University Medical Center (LUMC)
Classification: Likely benign. Review status: no assertion criteria provided. Collection method: clinical testing. Allele origin: germline. Affected: yes. Study: VKGL Data-share Consensus. Not counted in ClinVar's aggregate classification.

NM_003108.4(SOX11):c.1039AGCGGCAGCAGC[3] (p.347SGSS[3])

Gene: SOX11 (SRY-box transcription factor 11; plus strand). Cytogenetic location: 2p25.2.
Variant type: Microsatellite.
Coding change: c.1039AGCGGCAGCAGC[3] on transcript NM_003108.4 (MANE Select); three copies in a row of the 12-base unit AGCGGCAGCAGC starting at c.1039; the reference has two copies in a row; one copy, 12 bases duplicated.
Protein change: p.347SGSS[3].
Molecular consequence: inframe insertion.
Genome position (GRCh38, 1-based): chr2:5,693,772-5,693,783, AGCGGCAGCAGC duplicated; duplicating any 12 consecutive bases within chr2:5,693,753-5,693,783 gives the same sequence; the position shown is the placement nearest the transcript's 3' end. VCF-style (leftmost placement, unchanged base first): chr2-5693752-C-CCAGCAGCAGCGG. GRCh37 (hg19) VCF-style: chr2-5833884-C-CCAGCAGCAGCGG.
Other names: c.1051_1062dupAGCGGCAGCAGC (NM_003108.3).
Identifiers: ClinVar variation 436839 (VCV000436839.54), dbSNP rs751221446, ClinGen allele CA1517973.
Genomic context (GRCh38, chr2:5,693,752, plus strand): 5'-CGCCGCTCGCGCAGCCCGCGCTGTCGCCCGCGTCCTCGCGCTCGGTGTCCACCTCCTCGT[C>CCAGCAGCAGCGG]CAGCAGCAGCGGCAGCAGCAGCGGCAGCAGCGGCGAGGACGCCGACGACCTGATGTTCGA-3'